The following is an entry in ClinVar:

ClinVar aggregate classification (germline): Likely pathogenic (1 of 4 stars; one submission).

Conditions:
Dilated cardiomyopathy 1G (CMD1G). Identifiers: Orphanet 154, MedGen C1858763, MONDO:0011400, OMIM 604145.
Autosomal recessive limb-girdle muscular dystrophy type 2J (LGMDR10). Also called: Limb-girdle muscular dystrophy, type 2J; MUSCULAR DYSTROPHY, LIMB-GIRDLE, AUTOSOMAL RECESSIVE 10. Identifiers: Orphanet 140922, MedGen C1837342, MONDO:0012127, OMIM 608807.

Submission:

Labcorp Genetics (formerly Invitae), Labcorp
Classification: Likely pathogenic for Dilated cardiomyopathy 1G; Autosomal recessive limb-girdle muscular dystrophy type 2J. Last evaluated: 2025-02-20. Review status: criteria provided, single submitter. Criteria: Invitae Variant Classification Sherloc (09022015). Collection method: clinical testing. Allele origin: germline.
Comment: This sequence change creates a premature translational stop signal (p.Glu6145*) in the TTN gene. While this is not anticipated to result in nonsense mediated decay, it is expected to create a truncated TTN protein. This variant is not present in population databases (gnomAD no frequency). This variant has not been reported in the literature in individuals affected with TTN-related conditions. Algorithms developed to predict the effect of sequence changes on RNA splicing suggest that this variant may disrupt the consensus splice site. This variant is located in the I band of TTN (PMID: 25589632). Truncating variants in this region have been reported in individuals affected with autosomal recessive centronuclear myopathy (PMID: 23975875, internal data). Truncating variants in this region have also been identified in individuals affected with autosomal dominant dilated cardiomyopathy and/or cardio-related conditions (PMID: 27869827, 32964742, internal data). In summary, the currently available evidence indicates that the variant is pathogenic, but additional data are needed to prove that conclusively. Therefore, this variant has been classified as Likely Pathogenic.

Literature cited by the submitters: PubMed 25589632; PubMed 23975875; PubMed 27869827; PubMed 32964742.

NM_001267550.2(TTN):c.18433G>T (p.Glu6145Ter)

Genes: TTN (titin; minus strand), LOC126806430 (BRD4-independent group 4 enhancer GRCh37_chr2:179593794-179594993; plus strand). Cytogenetic location: 2q31.2.
Variant type: single nucleotide variant.
Coding change: c.18433G>T on transcript NM_001267550.2 (MANE Select); coding-DNA position 18433, G replaced by T.
Protein change: p.Glu6145Ter; replaces glutamic acid 6145 with a stop codon.
Molecular consequence: nonsense. On other transcripts: intron variant (3).
Genome position (GRCh38, 1-based): chr2:178,729,820, C>A on the plus strand (G>T on the coding strand, the complement: TTN is on the minus strand). VCF-style: chr2-178729820-C-A. GRCh37 (hg19) VCF-style: chr2-179594547-C-A.
Other names: c.17482G>T, p.Glu5828Ter (NM_001256850.1); c.14701G>T, p.Glu4901Ter (NM_133378.4); c.13282+8262G>T (NM_003319.4); c.13858+8262G>T (NM_133437.4); c.13657+8262G>T (NM_133432.3); short protein forms E5828*, E4901*, E6145*.
Identifiers: ClinVar variation 4784235 (VCV004784235.1).